The following is an entry in ClinVar:

NM_000142.5(FGFR3):c.75G>A (p.Leu25=)

Gene: FGFR3 (fibroblast growth factor receptor 3; plus strand). Cytogenetic location: 4p16.3.
Variant type: single nucleotide variant.
Coding change: c.75G>A on transcript NM_000142.5 (MANE Select); coding-DNA position 75, G replaced by A.
Protein change: p.Leu25=; no amino-acid change (leucine 25 retained).
Molecular consequence: synonymous variant. On other transcripts: non-coding transcript variant (1).
Genome position (GRCh38, 1-based): chr4:1,794,009, G>A. VCF-style: chr4-1794009-G-A. GRCh37 (hg19) VCF-style: chr4-1795736-G-A.
Other names: c.75G>A, p.Leu25= (NM_001163213.2, NM_001354809.2, NM_001354810.2 and 1 more transcripts); c.75G>A (NM_000142.4).
Identifiers: ClinVar variation 995688 (VCV000995688.39), dbSNP rs762402180, ClinGen allele CA2809684.
Genomic context (GRCh38, chr4:1,794,009, plus strand): 5'-CTGCGCCCTCGCGCTCTGCGTGGCCGTGGCCATCGTGGCCGGCGCCTCCTCGGAGTCCTT[G>A]GGGACGGAGCAGCGCGTCGTGGGGCGAGCGGCAGGTAAGAAGGGACCCACTAGGCACGGG-3'
Protein context (NP_000133.1, residues 15-35): AIVAGASSES[Leu25=]GTEQRVVGRA

ClinVar aggregate classification (germline): Likely benign. Review status: criteria provided, multiple submitters, no conflicts (2 of 4 stars). 5 submissions from 5 submitters: Likely benign (4). 1 of the submissions does not count toward it. Last evaluated 2025-08-13.

Conditions:
FGFR3-related disorder. Also called: FGFR3-related disorders.

Allele frequency attached by ClinVar (database versions not stated): ExAC below 0.00001; TOPMed 0.00006.
gnomAD v4.1: 29 of 1,415,144 alleles (0.002%); highest among the groups gnomAD compares: Middle Eastern, 0.074%; no homozygotes.

Submissions (5):

Labcorp Genetics (formerly Invitae), Labcorp
Classification: Likely benign. Last evaluated: 2025-08-13. Review status: criteria provided, single submitter. Criteria: Invitae Variant Classification Sherloc (09022015). Collection method: clinical testing. Allele origin: germline.

Blueprint Genetics
Classification: Likely benign. Last evaluated: 2024-03-08. Review status: criteria provided, single submitter. Criteria: ACMG Guidelines, 2015. Collection method: clinical testing. Allele origin: germline.

CeGaT Center for Human Genetics Tuebingen
Classification: Likely benign. Last evaluated: 2024-01-01. Review status: criteria provided, single submitter. Criteria: CeGaT Center For Human Genetics Tuebingen Variant Classification Criteria Version 2. Collection method: clinical testing. Allele origin: germline. Affected: yes. Observed: 1 variant allele.
Comment: FGFR3: BP4, BP7

ARUP Laboratories, Molecular Genetics and Genomics, ARUP Laboratories
Classification: Likely benign. Last evaluated: 2019-11-03. Review status: criteria provided, single submitter. Criteria: ARUP Molecular Germline Variant Investigation Process. Collection method: clinical testing. Allele origin: germline.

PreventionGenetics, part of Exact Sciences
Classification: Likely benign for FGFR3-related condition. Last evaluated: 2022-10-21. Review status: no assertion criteria provided. Collection method: clinical testing. Allele origin: germline. Not counted in ClinVar's aggregate classification.
Comment: This variant is classified as likely benign based on ACMG/AMP sequence variant interpretation guidelines (Richards et al. 2015 PMID: 25741868, with internal and published modifications).